The following is an entry in ClinVar:

NM_015340.4(LARS2):c.1444C>T (p.Pro482Ser)

Genes: LARS2 (leucyl-tRNA synthetase 2, mitochondrial; plus strand), LARS2-AS1 (LARS2 antisense RNA 1; minus strand). Cytogenetic location: 3p21.31.
Variant type: single nucleotide variant.
Coding change: c.1444C>T on transcript NM_015340.4 (MANE Select); coding-DNA position 1444, C replaced by T.
Protein change: p.Pro482Ser; replaces proline 482 with serine.
Molecular consequence: missense variant.
Genome position (GRCh38, 1-based): chr3:45,491,721, C>T. VCF-style: chr3-45491721-C-T. GRCh37 (hg19) VCF-style: chr3-45533213-C-T.
Other names: c.1444C>T, p.Pro482Ser (NM_001368263.1); short protein forms P482S.
Identifiers: ClinVar variation 3775923 (VCV003775923.1).
Genomic context (GRCh38, chr3:45,491,721, plus strand): 5'-GTCCACTGCCCAGTCTGTGGCCCCACACCTGTGCCCCTGGAGGACTTGCCTGTGACCCTG[C>T]CCAACATCGCGTCTTTCACTGGCAAGGGAGGCCCCCCACTGGCCATGGCTTCAGAGTGGG-3'
Protein context (NP_056155.1, residues 472-492): VPLEDLPVTL[Pro482Ser]NIASFTGKGG

ClinVar aggregate classification (germline): Uncertain significance (1 of 4 stars; one submission).

Conditions:
Perrault syndrome 4 (PRLTS4). Identifiers: Orphanet 2855, MedGen C3809105, MONDO:0014126, OMIM 615300.

Submission:

3billion
Classification: Uncertain significance for Perrault syndrome 4. Last evaluated: 2024-02-15. Review status: criteria provided, single submitter. Criteria: ACMG Guidelines, 2015. Collection method: clinical testing. Allele origin: germline. Affected: yes.
Comment: The variant is observed at an extremely low frequency in the gnomAD v2.1.1 dataset (total allele frequency: <0.001%). Predicted Consequence/Location: Missense variant In silico tool predictions suggest damaging effect of the variant on gene or gene product [REVEL: 0.81 (>=0.6, sensitivity 0.68 and specificity 0.92); 3Cnet: 0.90 (>=0.6, sensitivity 0.72 and precision 0.9)]. Therefore, this variant is classified as VUS according to the recommendation of ACMG/AMP guideline.